The following is an entry in ClinVar:

ClinVar aggregate classification (germline): Uncertain significance (1 of 4 stars; one submission).

Submission:

GeneDx
Classification: Uncertain significance. Last evaluated: 2019-06-01. Review status: criteria provided, single submitter. Criteria: GeneDx Variant Classification Process June 2021. Collection method: clinical testing. Allele origin: germline. Affected: yes.
Comment: In silico analysis, which includes protein predictors and evolutionary conservation, supports a deleterious effect; Not observed in large population cohorts (Lek et al., 2016); Has not been previously published as pathogenic or benign to our knowledge

NM_024757.5(EHMT1):c.2544G>T (p.Lys848Asn)

Gene: EHMT1 (euchromatic histone lysine methyltransferase 1; plus strand). Cytogenetic location: 9q34.3.
Variant type: single nucleotide variant.
Coding change: c.2544G>T on transcript NM_024757.5 (MANE Select); coding-DNA position 2544, G replaced by T.
Protein change: p.Lys848Asn; replaces lysine 848 with asparagine.
Molecular consequence: missense variant.
Genome position (GRCh38, 1-based): chr9:137,798,851, G>T. VCF-style: chr9-137798851-G-T. GRCh37 (hg19) VCF-style: chr9-140693303-G-T.
Other names: c.2523G>T, p.Lys841Asn (NM_001354263.2); short protein forms K841N, K848N.
Identifiers: ClinVar variation 1305945 (VCV001305945.2), dbSNP rs1252301168, ClinGen allele CA375788092.